The following is an entry in ClinVar:

NM_000444.6(PHEX):c.1217G>T (p.Cys406Phe)

Gene: PHEX (phosphate regulating endopeptidase X-linked; plus strand). Cytogenetic location: Xp22.11.
Variant type: single nucleotide variant.
Coding change: c.1217G>T on transcript NM_000444.6 (MANE Select); coding-DNA position 1217, G replaced by T.
Protein change: p.Cys406Phe; replaces cysteine 406 with phenylalanine.
Molecular consequence: missense variant.
Genome position (GRCh38, 1-based): chrX:22,114,501, G>T. VCF-style: chrX-22114501-G-T. GRCh37 (hg19) VCF-style: chrX-22132619-G-T.
Other names: c.1217G>T, p.Cys406Phe (NM_001282754.2); short protein forms C406F.
Identifiers: ClinVar variation 1705589 (VCV001705589.1), dbSNP rs1602307107, ClinGen allele CA412573391.

ClinVar aggregate classification (germline): Likely pathogenic (1 of 4 stars; one submission).

Conditions:
Familial X-linked hypophosphatemic vitamin D refractory rickets (XLHRD). Also called: X-Linked Hypophosphatemia; Hypophosphatemic Rickets, X-Linked Dominant; HYPOPHOSPHATEMIC VITAMIN D-RESISTANT RICKETS; Hypophosphatemia, vitamin D-resistant rickets; Vitamin D-resistant rickets, X-linked. Identifiers: Orphanet 89936, MedGen C0733682, MONDO:0010619, OMIM 307800.

Submission:

3billion
Classification: Likely pathogenic for Familial X-linked hypophosphatemic vitamin D refractory rickets. Last evaluated: 2022-09-01. Review status: criteria provided, single submitter. Criteria: ACMG Guidelines, 2015. Collection method: clinical testing. Allele origin: germline. Affected: yes. Observed: 1 heterozygote.
Comment: The variant is not observed in the gnomAD v2.1.1 dataset. While this variant results in missense change, protein truncation variants are a common disease-causing mechanism. In silico tool predictions suggest damaging effect of the variant on gene or gene product (REVEL: 0.94; 3Cnet: 1.00). Same nucleotide change resulting in same amino acid change has been previously reported to be associated with PHEX-related disorder (PMID: 29460029). Different missense changes at the same codon (p.Cys406Arg, p.Cys406Tyr) have been reported as pathogenic/likely pathogenic with strong evidence (ClinVar ID: VCV000438566, VCV000803755). Therefore, this variant is classified as Likely pathogenic according to the recommendation of ACMG/AMP guideline.

Literature cited by the submitters: PubMed 29460029.